The following is an entry in ClinVar:

ClinVar aggregate classification (germline): Uncertain significance. Review status: criteria provided, multiple submitters, no conflicts (2 of 4 stars). 3 submissions from 3 submitters: Uncertain significance (3). Last evaluated 2025-08-13.

Conditions:
Inborn genetic diseases. Identifiers: MedGen C0950123, MeSH D030342.
Megalencephalic leukoencephalopathy with subcortical cysts. Also called: VAN DER KNAAP DISEASE. Identifiers: Orphanet 2478, MedGen C1858854, MONDO:0011391.

Allele frequency attached by ClinVar (database versions not stated): gnomAD 0.00001; TOPMed 0.00001; gnomAD exomes 0.00003 and 0.00005; ExAC 0.00004.

Submissions (3):

Ambry Genetics
Classification: Uncertain significance for Inborn genetic diseases. Last evaluated: 2025-08-13. Review status: criteria provided, single submitter. Criteria: Ambry Variant Classification Scheme 2023. Collection method: clinical testing. Allele origin: germline.

GeneDx
Classification: Uncertain significance. Last evaluated: 2022-07-08. Review status: criteria provided, single submitter. Criteria: GeneDx Variant Classification Process June 2021. Collection method: clinical testing. Allele origin: germline. Affected: yes.
Comment: In silico analysis supports that this missense variant does not alter protein structure/function; Has not been previously published as pathogenic or benign to our knowledge

Illumina Laboratory Services, Illumina
Classification: Uncertain significance for Megalencephalic leukoencephalopathy with subcortical cysts. Last evaluated: 2018-01-13. Review status: criteria provided, single submitter. Criteria: ICSL Variant Classification Criteria 13 December 2019. Collection method: clinical testing. Allele origin: germline.

NM_152722.5(HEPACAM):c.871C>T (p.Pro291Ser)

Gene: HEPACAM (hepatic and glial cell adhesion molecule; minus strand). Cytogenetic location: 11q24.2.
Variant type: single nucleotide variant.
Coding change: c.871C>T on transcript NM_152722.5 (MANE Select); coding-DNA position 871, C replaced by T.
Protein change: p.Pro291Ser; replaces proline 291 with serine.
Molecular consequence: missense variant.
Genome position (GRCh38, 1-based): chr11:124,922,751, G>A on the plus strand (C>T on the coding strand, the complement: HEPACAM is on the minus strand). VCF-style: chr11-124922751-G-A. GRCh37 (hg19) VCF-style: chr11-124792647-G-A.
Other names: short protein forms P291S.
Identifiers: ClinVar variation 303326 (VCV000303326.7), dbSNP rs777480834, ClinGen allele CA6345623.